The following is an entry in ClinVar:

ClinVar aggregate classification (germline): Likely benign (0 of 4 stars; one submission).

Conditions:
EARS2-related disorder. Also called: EARS2-related disorders; EARS2-related condition.

Submission:

PreventionGenetics, part of Exact Sciences
Classification: Likely benign for EARS2-related condition. Last evaluated: 2020-04-24. Review status: no assertion criteria provided. Collection method: clinical testing. Allele origin: germline.
Comment: This variant is classified as likely benign based on ACMG/AMP sequence variant interpretation guidelines (Richards et al. 2015 PMID: 25741868, with internal and published modifications).

NM_001083614.2(EARS2):c.*6G>A

Gene: EARS2 (glutamyl-tRNA synthetase 2, mitochondrial; minus strand). Cytogenetic location: 16p12.2.
Variant type: single nucleotide variant.
Coding change: c.*6G>A on transcript NM_001083614.2 (MANE Select); 6 bases downstream of the stop codon, G replaced by A.
Molecular consequence: 3 prime UTR variant. On other transcripts: non-coding transcript variant (1).
Genome position (GRCh38, 1-based): chr16:23,524,365, C>T on the plus strand (G>A on the coding strand, the complement: EARS2 is on the minus strand). VCF-style: chr16-23524365-C-T. GRCh37 (hg19) VCF-style: chr16-23535686-C-T.
Other names: c.*6G>A (NM_133451.1).
Identifiers: ClinVar variation 3054187 (VCV003054187.2), dbSNP rs949419846, ClinGen allele CA2740093275.
Genomic context (GRCh38, chr16:23,524,365, plus strand): 5'-CTCTGAAAGCTGTTTCTAAGCTCACAGGTTCTTAGGGCGATCTCCACTGCCCGAAACATC[C>T]TCTCCCTAGCTGGAAACCACCTTCTGGATCCGTTCCCGTACTTCCTTTGGTCCCAAGGCC-3'